The following is an entry in ClinVar:

NM_001029883.3(PCARE):c.3169C>T (p.Pro1057Ser)

Gene: PCARE (photoreceptor cilium actin regulator; minus strand). Cytogenetic location: 2p23.2.
Variant type: single nucleotide variant.
Coding change: c.3169C>T on transcript NM_001029883.3 (MANE Select); coding-DNA position 3169, C replaced by T.
Protein change: p.Pro1057Ser; replaces proline 1057 with serine.
Molecular consequence: missense variant.
Genome position (GRCh38, 1-based): chr2:29,071,093, G>A on the plus strand (C>T on the coding strand, the complement: PCARE is on the minus strand). VCF-style: chr2-29071093-G-A. GRCh37 (hg19) VCF-style: chr2-29293959-G-A.
Other names: short protein forms P1057S.
Identifiers: ClinVar variation 1462262 (VCV001462262.9), dbSNP rs1354783566, ClinGen allele CA346475670.
Genomic context (GRCh38, chr2:29,071,093, plus strand): 5'-GCTGGGTTGGGGGGCTGGGGACCTTGCACTGAGCAGGTGCACTCTCGGGGGGAGGGTTGG[G>A]CAACTTGGGCTGGTGCGGTGGGGAAGTTCGCCGCTTTGTGGTGGGTGGGCTTAGCACCCT-3'
Protein context (NP_001025054.1, residues 1047-1067): RTSPPHQPKL[Pro1057Ser]NPPPESAPAQ

ClinVar aggregate classification (germline): Uncertain significance. Review status: criteria provided, multiple submitters, no conflicts (2 of 4 stars). 2 submissions from 2 submitters: Uncertain significance (2). Last evaluated 2021-06-24.

Allele frequency attached by ClinVar (database versions not stated): gnomAD exomes below 0.00001 and 0.00001; gnomAD 0.00001; TOPMed 0.00001.
gnomAD v4.1: 4 of 1,597,198 alleles (0.00025%); highest among the groups gnomAD compares: Non-Finnish European, 0.00034%; no homozygotes.

Submissions (2):

Labcorp Genetics (formerly Invitae), Labcorp
Classification: Uncertain significance. Last evaluated: 2021-06-24. Review status: criteria provided, single submitter. Criteria: Invitae Variant Classification Sherloc (09022015). Collection method: clinical testing. Allele origin: germline.
Comment: In summary, the available evidence is currently insufficient to determine the role of this variant in disease. Therefore, it has been classified as a Variant of Uncertain Significance. Algorithms developed to predict the effect of missense changes on protein structure and function output the following: SIFT: "Tolerated"; PolyPhen-2: "Benign"; Align-GVGD: "Class C0". The serine amino acid residue is found in multiple mammalian species, suggesting that this missense change does not adversely affect protein function. These predictions have not been confirmed by published functional studies and their clinical significance is uncertain. This variant has not been reported in the literature in individuals with PCARE-related conditions. This variant is not present in population databases (ExAC no frequency). This sequence change replaces proline with serine at codon 1057 of the PCARE protein (p.Pro1057Ser). The proline residue is moderately conserved and there is a moderate physicochemical difference between proline and serine.

Blueprint Genetics
Classification: Uncertain significance. Last evaluated: 2018-06-15. Review status: criteria provided, single submitter. Criteria: ACMG Guidelines, 2015. Collection method: clinical testing. Allele origin: germline.